The following is an entry in ClinVar:

ClinVar aggregate classification (germline): Uncertain significance (1 of 4 stars; one submission).

Conditions:
Hereditary cancer-predisposing syndrome. Also called: Tumor predisposition; Hereditary Cancer Syndrome; Hereditary neoplastic syndrome; Neoplastic Syndromes, Hereditary. Identifiers: Orphanet 140162, MedGen C0027672, MeSH D009386, MONDO:0015356.

Submission:

Ambry Genetics
Classification: Uncertain significance for Hereditary cancer-predisposing syndrome. Last evaluated: 2025-12-08. Review status: criteria provided, single submitter. Criteria: Ambry Variant Classification Scheme 2023. Collection method: clinical testing. Allele origin: germline.
Comment: The p.R300G variant (also known as c.898C>G), located in coding exon 9 of the RAD51D gene, results from a C to G substitution at nucleotide position 898. The arginine at codon 300 is replaced by glycine, an amino acid with dissimilar properties. This amino acid position is highly conserved in available vertebrate species. In addition, the in silico prediction for this alteration is inconclusive. Based on the available evidence, the clinical significance of this variant remains unclear.

NM_002878.4(RAD51D):c.898C>G (p.Arg300Gly)

Genes: RAD51D (RAD51 paralog D; minus strand), RAD51L3-RFFL (RAD51L3-RFFL readthrough; minus strand). Cytogenetic location: 17q12.
Variant type: single nucleotide variant.
Coding change: c.898C>G on transcript NM_002878.4 (MANE Select); coding-DNA position 898, C replaced by G.
Protein change: p.Arg300Gly; replaces arginine 300 with glycine.
Molecular consequence: missense variant. On other transcripts: non-coding transcript variant (3).
Genome position (GRCh38, 1-based): chr17:35,101,206, G>C on the plus strand (C>G on the coding strand, the complement: RAD51D is on the minus strand). VCF-style: chr17-35101206-G-C. GRCh37 (hg19) VCF-style: chr17-33428225-G-C.
Other names: c.958C>G, p.Arg320Gly (NM_001142571.2); c.562C>G, p.Arg188Gly (NM_133629.3); short protein forms R188G, R300G, R320G.
Identifiers: ClinVar variation 4543336 (VCV004543336.1).